The following is an entry in ClinVar:

ClinVar aggregate classification (germline): Conflicting classifications of pathogenicity. Review status: criteria provided, conflicting classifications (1 of 4 stars). 3 submissions from 3 submitters: Uncertain significance (2); Likely benign (1). Last evaluated 2023-10-17.

Conditions:
Inborn genetic diseases. Identifiers: MedGen C0950123, MeSH D030342.
Acrocallosal syndrome (ACLS). Also called: HALLUX DUPLICATION, POSTAXIAL POLYDACTYLY, AND ABSENCE OF CORPUS CALLOSUM; Absence of corpus callosum with unusual facial appearance, mental deficiency, duplication of the halluces and polydactyly; Schinzel syndrome 1. Identifiers: Orphanet 36, MedGen C0796147, MONDO:0008708, OMIM 200990.

Allele frequency attached by ClinVar (database versions not stated): gnomAD exomes 0.00001; gnomAD 0.00004; TOPMed 0.00005.
gnomAD v4.1: 16 of 1,546,976 alleles (0.001%); highest among the groups gnomAD compares: East Asian, 0.034%; no homozygotes.

Submissions (3):

Ambry Genetics
Classification: Uncertain significance for Inborn genetic diseases. Last evaluated: 2023-10-17. Review status: criteria provided, single submitter. Criteria: Ambry Variant Classification Scheme 2023. Collection method: clinical testing. Allele origin: germline.

Labcorp Genetics (formerly Invitae), Labcorp
Classification: Uncertain significance for Acrocallosal syndrome. Last evaluated: 2022-09-27. Review status: criteria provided, single submitter. Criteria: Invitae Variant Classification Sherloc (09022015). Collection method: clinical testing. Allele origin: germline.
Comment: In summary, the available evidence is currently insufficient to determine the role of this variant in disease. Therefore, it has been classified as a Variant of Uncertain Significance. Advanced modeling of protein sequence and biophysical properties (such as structural, functional, and spatial information, amino acid conservation, physicochemical variation, residue mobility, and thermodynamic stability) performed at Invitae indicates that this missense variant is not expected to disrupt KIF7 protein function. ClinVar contains an entry for this variant (Variation ID: 1351814). This variant has not been reported in the literature in individuals affected with KIF7-related conditions. This variant is present in population databases (no rsID available, gnomAD 0.1%). This sequence change replaces glycine, which is neutral and non-polar, with aspartic acid, which is acidic and polar, at codon 296 of the KIF7 protein (p.Gly296Asp).

Blueprint Genetics
Classification: Likely benign. Last evaluated: 2022-08-25. Review status: criteria provided, single submitter. Criteria: ACMG Guidelines, 2015. Collection method: clinical testing. Allele origin: germline.

NM_198525.3(KIF7):c.887G>A (p.Gly296Asp)

Gene: KIF7 (kinesin family member 7; minus strand). Cytogenetic location: 15q26.1.
Variant type: single nucleotide variant.
Coding change: c.887G>A on transcript NM_198525.3 (MANE Select); coding-DNA position 887, G replaced by A.
Protein change: p.Gly296Asp; replaces glycine 296 with aspartic acid.
Molecular consequence: missense variant.
Genome position (GRCh38, 1-based): chr15:89,649,010, C>T on the plus strand (G>A on the coding strand, the complement: KIF7 is on the minus strand). VCF-style: chr15-89649010-C-T. GRCh37 (hg19) VCF-style: chr15-90192241-C-T.
Other names: c.887G>A (NM_198525.2); short protein forms G296D.
Identifiers: ClinVar variation 1351814 (VCV001351814.8), dbSNP rs776621314, ClinGen allele CA393774013.